The following is an entry in ClinVar:

NM_000284.4(PDHA1):c.*90T>A

Gene: PDHA1 (pyruvate dehydrogenase E1 subunit alpha 1; plus strand). Cytogenetic location: Xp22.12.
Variant type: single nucleotide variant.
Coding change: c.*90T>A on transcript NM_000284.4 (MANE Select); 90 bases downstream of the stop codon, T replaced by A.
Molecular consequence: 3 prime UTR variant.
Genome position (GRCh38, 1-based): chrX:19,359,743, T>A. VCF-style: chrX-19359743-T-A. GRCh37 (hg19) VCF-style: chrX-19377861-T-A.
Other names: c.*90T>A (NM_001173454.2, NM_001173455.2, NM_001173456.2).
Identifiers: ClinVar variation 3052383 (VCV003052383.3), dbSNP rs147338122, ClinGen allele CA10363246.

ClinVar aggregate classification (germline): Likely benign. Review status: criteria provided, single submitter (1 of 4 stars). 2 submissions from 2 submitters: Likely benign (1). 1 of the submissions does not count toward it. Last evaluated 2024-10-09.

Conditions:
PDHA1-related disorder. Also called: PDHA1-related condition.

Allele frequency attached by ClinVar (database versions not stated): 1000 Genomes Project 0.00450.
gnomAD v4.1: 414 of 866,122 alleles (0.048%); highest among the groups gnomAD compares: African/African-American, 0.6%; 1 homozygote.

Submissions (2):

Blueprint Genetics
Classification: Likely benign. Last evaluated: 2024-10-09. Review status: criteria provided, single submitter. Criteria: ACMG Guidelines, 2015. Collection method: clinical testing. Allele origin: germline.

PreventionGenetics, part of Exact Sciences
Classification: Likely benign for PDHA1-related condition. Last evaluated: 2020-11-16. Review status: no assertion criteria provided. Collection method: clinical testing. Allele origin: germline. Not counted in ClinVar's aggregate classification.
Comment: This variant is classified as likely benign based on ACMG/AMP sequence variant interpretation guidelines (Richards et al. 2015 PMID: 25741868, with internal and published modifications).